The following is an entry in ClinVar:

ClinVar aggregate classification (germline): Uncertain significance (1 of 4 stars; one submission).

Conditions:
Methylmalonic acidemia due to transcobalamin receptor defect (MATR). Also called: METHYLMALONIC ACIDEMIA, TCblR TYPE; METHYLMALONIC ACIDURIA, TRANSIENT, DUE TO TRANSCOBALAMIN RECEPTOR DEFECT. Identifiers: Orphanet 280183, MedGen C4749905, MONDO:0013341, OMIM 613646.

Submission:

Labcorp Genetics (formerly Invitae), Labcorp
Classification: Uncertain significance for Methylmalonic acidemia due to transcobalamin receptor defect. Last evaluated: 2022-06-14. Review status: criteria provided, single submitter. Criteria: Invitae Variant Classification Sherloc (09022015). Collection method: clinical testing. Allele origin: germline.
Comment: In summary, the available evidence is currently insufficient to determine the role of this variant in disease. Therefore, it has been classified as a Variant of Uncertain Significance. Algorithms developed to predict the effect of missense changes on protein structure and function (SIFT, PolyPhen-2, Align-GVGD) all suggest that this variant is likely to be disruptive. This variant has not been reported in the literature in individuals affected with CD320-related conditions. This variant is not present in population databases (gnomAD no frequency). This sequence change replaces glutamine, which is neutral and polar, with leucine, which is neutral and non-polar, at codon 60 of the CD320 protein (p.Gln60Leu).

NM_016579.4(CD320):c.179A>T (p.Gln60Leu)

Gene: CD320 (CD320 molecule; minus strand). Cytogenetic location: 19p13.2.
Variant type: single nucleotide variant.
Coding change: c.179A>T on transcript NM_016579.4 (MANE Select); coding-DNA position 179, A replaced by T.
Protein change: p.Gln60Leu; replaces glutamine 60 with leucine.
Molecular consequence: missense variant. On other transcripts: intron variant (1).
Genome position (GRCh38, 1-based): chr19:8,305,120, T>A on the plus strand (A>T on the coding strand, the complement: CD320 is on the minus strand). VCF-style: chr19-8305120-T-A. GRCh37 (hg19) VCF-style: chr19-8370004-T-A.
Other names: c.143-1032A>T (NM_001165895.2); short protein forms Q60L.
Identifiers: ClinVar variation 2006693 (VCV002006693.4), dbSNP rs2512598767, ClinGen allele CA403715585.